The following is an entry in ClinVar:

NM_004329.3(BMPR1A):c.653G>A (p.Ser218Asn)

Gene: BMPR1A (bone morphogenetic protein receptor type 1A; plus strand). Cytogenetic location: 10q23.2.
Variant type: single nucleotide variant.
Coding change: c.653G>A on transcript NM_004329.3 (MANE Select); coding-DNA position 653, G replaced by A.
Protein change: p.Ser218Asn; replaces serine 218 with asparagine.
Molecular consequence: missense variant.
Genome position (GRCh38, 1-based): chr10:86,912,362, G>A. VCF-style: chr10-86912362-G-A. GRCh37 (hg19) VCF-style: chr10-88672119-G-A.
Other names: short protein forms S218N.
Identifiers: ClinVar variation 826471 (VCV000826471.15), dbSNP rs752893921, ClinGen allele CA5585566.
Genomic context (GRCh38, chr10:86,912,362, plus strand): 5'-CATTTATTCCAGTTGGAGAATCACTAAAAGACCTTATTGACCAGTCACAAAGTTCTGGTA[G>A]TGGGTCTGGACTACCTTTATTGGTAAGTTAAACGTTCCTATAGACATGAATGGTGTGTTG-3'
Protein context (NP_004320.2, residues 208-228): DLIDQSQSSG[Ser218Asn]GSGLPLLVQR

ClinVar aggregate classification (germline): Uncertain significance. Review status: criteria provided, multiple submitters, no conflicts (2 of 4 stars). 3 submissions from 3 submitters: Uncertain significance (3). Last evaluated 2025-12-09.

Conditions:
Juvenile polyposis syndrome (JPS). Identifiers: Orphanet 2929, MedGen C0345893, MONDO:0017380, OMIM 174900.
Hereditary cancer-predisposing syndrome. Also called: Neoplastic Syndromes, Hereditary; Hereditary Cancer Syndrome; Hereditary neoplastic syndrome; Tumor predisposition. Identifiers: Orphanet 140162, MedGen C0027672, MeSH D009386, MONDO:0015356.

Allele frequency attached by ClinVar (database versions not stated): ExAC 0.00001.

Submissions (3):

Ambry Genetics
Classification: Uncertain significance for Hereditary cancer-predisposing syndrome. Last evaluated: 2025-12-09. Review status: criteria provided, single submitter. Criteria: Ambry Variant Classification Scheme 2023. Collection method: clinical testing. Allele origin: germline.
Comment: The p.S218N variant (also known as c.653G>A), located in coding exon 6 of the BMPR1A gene, results from a G to A substitution at nucleotide position 653. The serine at codon 218 is replaced by asparagine, an amino acid with highly similar properties. This amino acid position is highly conserved in available vertebrate species. In addition, the in silico prediction for this alteration is inconclusive. Since supporting evidence is limited at this time, the clinical significance of this alteration remains unclear.

All of Us Research Program, National Institutes of Health
Classification: Uncertain significance for Juvenile polyposis syndrome. Last evaluated: 2023-10-06. Review status: criteria provided, single submitter. Criteria: ACMG Guidelines, 2015. Collection method: clinical testing. Allele origin: germline. Inheritance: Autosomal dominant inheritance. Observed: 2 variant alleles, 2 heterozygotes.
Comment: This missense variant replaces serine with asparagine at codon 218 of the BMPR1A protein. Computational prediction is inconclusive regarding the impact of this variant on protein structure and function (internally defined REVEL score threshold 0.5 < inconclusive < 0.7, PMID: 27666373). To our knowledge, functional studies have not been reported for this variant. This variant has not been reported in individuals affected with BMPR1A-related disorders in the literature. This variant has been identified in 1/251334 chromosomes in the general population by the Genome Aggregation Database (gnomAD). The available evidence is insufficient to determine the role of this variant in disease conclusively. Therefore, this variant is classified as a Variant of Uncertain Significance.

This study involves interpretation of variants in research participants for the purpose of population health screening. Participant phenotype was not available at the time of variant classification. Additional details can be found in publication PMID: 35346344, PMCID: PMC8962531

Labcorp Genetics (formerly Invitae), Labcorp
Classification: Uncertain significance for Juvenile polyposis syndrome. Last evaluated: 2021-03-14. Review status: criteria provided, single submitter. Criteria: Invitae Variant Classification Sherloc (09022015). Collection method: clinical testing. Allele origin: germline.
Comment: Algorithms developed to predict the effect of missense changes on protein structure and function are either unavailable or do not agree on the potential impact of this missense change (SIFT: "Deleterious"; PolyPhen-2: "Benign"; Align-GVGD: "Class C45"). In summary, the available evidence is currently insufficient to determine the role of this variant in disease. Therefore, it has been classified as a Variant of Uncertain Significance. Algorithms developed to predict the effect of sequence changes on RNA splicing suggest that this variant may create or strengthen a splice site, but this prediction has not been confirmed by published transcriptional studies. This variant has not been reported in the literature in individuals with BMPR1A-related conditions. ClinVar contains an entry for this variant (Variation ID: 826471). This variant is present in population databases (rs752893921, ExAC 0.002%). This sequence change replaces serine with asparagine at codon 218 of the BMPR1A protein (p.Ser218Asn). The serine residue is highly conserved and there is a small physicochemical difference between serine and asparagine.